The following is an entry in ClinVar:

ClinVar aggregate classification (germline): Pathogenic (1 of 4 stars; one submission).

Conditions:
Gorlin syndrome. Also called: Nevoid Basal Cell Carcinoma Syndrome; Basal cell nevus syndrome. Identifiers: Orphanet 377, MedGen C0004779, MONDO:0007187.

Submission:

Labcorp Genetics (formerly Invitae), Labcorp
Classification: Pathogenic for Gorlin syndrome. Last evaluated: 2025-11-18. Review status: criteria provided, single submitter. Criteria: Invitae Variant Classification Sherloc (09022015). Collection method: clinical testing. Allele origin: germline.
Comment: This sequence change creates a premature translational stop signal (p.Glu1120Glyfs*25) in the PTCH1 gene. It is expected to result in an absent or disrupted protein product. Loss-of-function variants in PTCH1 are known to be pathogenic (PMID: 16301862, 16419085). This variant is not present in population databases (gnomAD no frequency). This variant has not been reported in the literature in individuals affected with PTCH1-related conditions. For these reasons, this variant has been classified as Pathogenic.

Literature cited by the submitters: PubMed 16301862; PubMed 16419085.

NM_000264.5(PTCH1):c.3356dup (p.Glu1120fs)

Gene: PTCH1 (patched 1; minus strand). Cytogenetic location: 9q22.32.
Variant type: Duplication.
Coding change: c.3356dup on transcript NM_000264.5 (MANE Select); coding-DNA position 3356, one base duplicated (T; older notation c.3356dupT).
Protein change: p.Glu1120fs; shifts the reading frame from glutamic acid 1120.
Molecular consequence: frameshift variant. On other transcripts: non-coding transcript variant (1).
Genome position (GRCh38, 1-based): chr9:95,453,571, A duplicated on the plus strand (T on the coding strand, the reverse complement: PTCH1 is on the minus strand). VCF-style (leftmost placement, unchanged base first): chr9-95453570-C-CA. GRCh37 (hg19) VCF-style: chr9-98215852-C-CA.
Other names: c.2903dup, p.Glu969fs (NM_001083607.3, NM_001083604.3, NM_001083605.3 and 1 more transcripts); c.3200dup, p.Glu1068fs (NM_001354918.2); c.3158dup, p.Glu1054fs (NM_001083602.3); c.3353dup, p.Glu1119fs (NM_001083603.3); short protein forms E1054fs, E1120fs, E1068fs, E1119fs, E969fs.
Identifiers: ClinVar variation 4730976 (VCV004730976.1).